The following is an entry in ClinVar:

ClinVar aggregate classification (germline): Uncertain significance (1 of 4 stars; one submission).

Submission:

CeGaT Center for Human Genetics Tuebingen
Classification: Uncertain significance. Last evaluated: 2026-06-01. Review status: criteria provided, single submitter. Criteria: CeGaT Center For Human Genetics Tuebingen Variant Classification Criteria Version 2. Collection method: clinical testing. Allele origin: germline. Affected: yes. Observed: 1 variant allele.
Comment: SAMHD1: PM2

NM_015474.4(SAMHD1):c.1070G>A (p.Gly357Glu)

Gene: SAMHD1 (SAM and HD domain containing deoxynucleoside triphosphate triphosphohydrolase 1; minus strand). Cytogenetic location: 20q11.23.
Variant type: single nucleotide variant.
Coding change: c.1070G>A on transcript NM_015474.4 (MANE Select); coding-DNA position 1070, G replaced by A.
Protein change: p.Gly357Glu; replaces glycine 357 with glutamic acid.
Molecular consequence: missense variant.
Genome position (GRCh38, 1-based): chr20:36,912,545, C>T on the plus strand (G>A on the coding strand, the complement: SAMHD1 is on the minus strand). VCF-style: chr20-36912545-C-T. GRCh37 (hg19) VCF-style: chr20-35540948-C-T.
Other names: c.1070G>A, p.Gly357Glu (NM_001363729.2, NM_001363733.2); short protein forms G357E.
Identifiers: ClinVar variation 4874399 (VCV004874399.2).
Genomic context (GRCh38, chr20:36,912,545, plus strand): 5'-TTGTGTTGATAAGCTCTACGGTGTAAAGAGTTGCGAGTGTGGAACATGTCATACAGATTT[C>T]CAACTTCCTGCAGGAAAACATGAAGTAAATATTAATAGGATCAGATTATGTTAACGTTAT-3'
Protein context (NP_056289.2, residues 347-367): LRICARDKEV[Gly357Glu]NLYDMFHTRN